The following is an entry in ClinVar:

ClinVar aggregate classification (germline): Conflicting classifications of pathogenicity. Review status: criteria provided, conflicting classifications (1 of 4 stars). 3 submissions from 3 submitters: Uncertain significance (1); Likely benign (2). Last evaluated 2025-06-04.

Conditions:
BBS5-related disorder. Also called: BBS5-related condition.
Bardet-Biedl syndrome (BBS). Identifiers: Orphanet 110, MedGen C0752166, MONDO:0015229.

Allele frequency attached by ClinVar (database versions not stated): gnomAD exomes below 0.00001; TOPMed below 0.00001.

Submissions (3):

PreventionGenetics, part of Exact Sciences
Classification: Uncertain significance for BBS5-related condition. Last evaluated: 2025-06-04. Review status: criteria provided, single submitter. Criteria: ACMG Guidelines, 2015. Collection method: clinical testing. Allele origin: germline.
Comment: The BBS5 c.171T>C variant is not predicted to result in an amino acid change (p.=). This variant may impact splicing based on available splicing prediction programs (SpliceAI, Jaganathan et al. 2019. PubMed ID: 30661751). To our knowledge, this variant has not been reported in the literature. This variant is reported in 0.00088% of alleles in individuals of European (Non-Finnish) descent in gnomAD. At this time, the clinical significance of this variant is uncertain due to the absence of conclusive functional and genetic evidence.

Blueprint Genetics
Classification: Likely benign. Last evaluated: 2023-11-22. Review status: criteria provided, single submitter. Criteria: ACMG Guidelines, 2015. Collection method: clinical testing. Allele origin: germline.

Labcorp Genetics (formerly Invitae), Labcorp
Classification: Likely benign for Bardet-Biedl syndrome. Last evaluated: 2023-08-15. Review status: criteria provided, single submitter. Criteria: Invitae Variant Classification Sherloc (09022015). Collection method: clinical testing. Allele origin: germline.

NM_152384.3(BBS5):c.171T>C (p.Ile57=)

Gene: BBS5 (Bardet-Biedl syndrome 5; plus strand). Cytogenetic location: 2q31.1.
Variant type: single nucleotide variant.
Coding change: c.171T>C on transcript NM_152384.3 (MANE Select); coding-DNA position 171, T replaced by C.
Protein change: p.Ile57=; no amino-acid change (isoleucine 57 retained).
Molecular consequence: synonymous variant.
Genome position (GRCh38, 1-based): chr2:169,487,097, T>C. VCF-style: chr2-169487097-T-C. GRCh37 (hg19) VCF-style: chr2-170343607-T-C.
Other names: c.171T>C (NM_152384.2).
Identifiers: ClinVar variation 3019841 (VCV003019841.5), dbSNP rs1446175799, ClinGen allele CA429921924.